The following is an entry in ClinVar:

ClinVar aggregate classification (germline): Uncertain significance. Review status: criteria provided, multiple submitters, no conflicts (2 of 4 stars). 2 submissions from 2 submitters: Uncertain significance (2). Last evaluated 2022-05-18.

Conditions:
MASA syndrome. Also called: CRASH syndrome; SPASTIC PARAPLEGIA 1, X-LINKED; MASA Syndrome (Mental Retardation, Adducted Thumbs, Shuffling Gait, and Aphasia); MASA (Mental Retardation, Adducted Thumbs, Shuffling Gait, Aphasia) Syndrome, Including SPG1 (X-Linked Complicated Hereditary Spastic Paraplegia Type 1); ADDUCTED THUMB WITH MENTAL RETARDATION; CLASPED THUMB AND MENTAL RETARDATION. Identifiers: Orphanet 2466, MedGen C0795953, MONDO:0010559, OMIM 303350.
X-linked complicated corpus callosum dysgenesis. Also called: X-Linked Complicated Corpus Callosum Agenesis. Identifiers: Orphanet 1497, MedGen C1839909, MONDO:0010569, OMIM 304100.
X-linked hydrocephalus syndrome (HYCX). Also called: X-Linked Hydrocephalus with Stenosis of the Aqueduct of Sylvius; AQUEDUCTAL STENOSIS, X-LINKED; X-Linked Hydrocephalus with Stenosis of the Aqueduct of Sylvius (HSAS); HYDROCEPHALUS, CONGENITAL, X-LINKED; X-linked hydrocephalus. Identifiers: Orphanet 2182, MedGen C0265216, MONDO:0010611, OMIM 307000.

Submissions (2):

Fulgent Genetics
Classification: Uncertain significance for MASA syndrome; X-linked complicated corpus callosum dysgenesis; X-linked hydrocephalus syndrome. Last evaluated: 2022-05-18. Review status: criteria provided, single submitter. Criteria: ACMG Guidelines, 2015. Collection method: clinical testing. Allele origin: unknown.

GeneDx
Classification: Uncertain significance. Last evaluated: 2019-11-18. Review status: criteria provided, single submitter. Criteria: GeneDx Variant Classification Process June 2021. Collection method: clinical testing. Allele origin: germline. Affected: yes.
Comment: Not observed in large population cohorts (Lek et al., 2016); In silico analysis, which includes protein predictors and evolutionary conservation, supports that this variant does not alter protein structure/function; Has not been previously published as pathogenic or benign to our knowledge

NM_001278116.2(L1CAM):c.2516_2517delinsAT (p.Ala839Asp)

Gene: L1CAM (L1 cell adhesion molecule; minus strand). Cytogenetic location: Xq28.
Variant type: Indel.
Coding change: c.2516_2517delinsAT on transcript NM_001278116.2 (MANE Select); coding-DNA positions 2516 to 2517, CC replaced by AT.
Protein change: p.Ala839Asp; replaces alanine 839 with aspartic acid.
Molecular consequence: missense variant.
Genome position (GRCh38, 1-based): chrX:153,865,734-153,865,735, GG replaced by AT on the plus strand (CC replaced by AT on the coding strand, the reverse complement: L1CAM is on the minus strand). VCF-style: chrX-153865734-GG-AT. GRCh37 (hg19) VCF-style: chrX-153131189-GG-AT.
Other names: c.2516_2517delinsAT, p.Ala839Asp (NM_000425.5, NM_024003.3); c.2501_2502delinsAT, p.Ala834Asp (NM_001143963.2); short protein forms A834D, A839D.
Identifiers: ClinVar variation 1310665 (VCV001310665.3), dbSNP rs2148494375, ClinGen allele CA2573055146.
Genomic context (GRCh38, chrX:153,865,734, plus strand): 5'-CTCCTGGGCCCCCATGCCTTCAACCCTTACATTGTATCCGCGGAGGTGGCCCTTGACCTG[GG>AT]CCAGGTCCACCGGCCGCCACTTGACCAGCACGGCACTTGAGTTGAGGATTTCAATGCCTT-3'
Protein context (NP_001265045.1, residues 829-849): VLVKWRPVDL[Ala839Asp]QVKGHLRGYN